The following is an entry in ClinVar:

NM_032228.6(FAR1):c.749C>A (p.Pro250Gln)

Gene: FAR1 (fatty acyl-CoA reductase 1; plus strand). Cytogenetic location: 11p15.3.
Variant type: single nucleotide variant.
Coding change: c.749C>A on transcript NM_032228.6 (MANE Select); coding-DNA position 749, C replaced by A.
Protein change: p.Pro250Gln; replaces proline 250 with glutamine.
Molecular consequence: missense variant.
Genome position (GRCh38, 1-based): chr11:13,711,789, C>A. VCF-style: chr11-13711789-C-A. GRCh37 (hg19) VCF-style: chr11-13733336-C-A.
Other names: short protein forms P250Q.
Identifiers: ClinVar variation 2703898 (VCV002703898.3), dbSNP rs1848501206, ClinGen allele CA379857620.

ClinVar aggregate classification (germline): Uncertain significance (1 of 4 stars; one submission).

Allele frequency attached by ClinVar (database versions not stated): TOPMed below 0.00001; gnomAD 0.00001.
gnomAD v4.1: 13 of 1,600,518 alleles (0.00081%); highest among the groups gnomAD compares: Non-Finnish European, 0.0011%; no homozygotes.

Submission:

Labcorp Genetics (formerly Invitae), Labcorp
Classification: Uncertain significance. Last evaluated: 2023-12-18. Review status: criteria provided, single submitter. Criteria: Invitae Variant Classification Sherloc (09022015). Collection method: clinical testing. Allele origin: germline.
Comment: This sequence change replaces proline, which is neutral and non-polar, with glutamine, which is neutral and polar, at codon 250 of the FAR1 protein (p.Pro250Gln). This variant is not present in population databases (gnomAD no frequency). This variant has not been reported in the literature in individuals affected with FAR1-related conditions. Advanced modeling of protein sequence and biophysical properties (such as structural, functional, and spatial information, amino acid conservation, physicochemical variation, residue mobility, and thermodynamic stability) has been performed at Invitae for this missense variant, however the output from this modeling did not meet the statistical confidence thresholds required to predict the impact of this variant on FAR1 protein function. In summary, the available evidence is currently insufficient to determine the role of this variant in disease. Therefore, it has been classified as a Variant of Uncertain Significance.